The following is an entry in ClinVar:

NM_001172509.2(SATB2):c.2137G>A (p.Val713Met)

Genes: SATB2 (SATB homeobox 2; minus strand), LOC126806462 (MED14-independent group 3 enhancer GRCh37_chr2:200136608-200137807; plus strand). Cytogenetic location: 2q33.1.
Variant type: single nucleotide variant.
Coding change: c.2137G>A on transcript NM_001172509.2 (MANE Select); coding-DNA position 2137, G replaced by A.
Protein change: p.Val713Met; replaces valine 713 with methionine.
Molecular consequence: missense variant.
Genome position (GRCh38, 1-based): chr2:199,272,276, C>T on the plus strand (G>A on the coding strand, the complement: SATB2 is on the minus strand). VCF-style: chr2-199272276-C-T. GRCh37 (hg19) VCF-style: chr2-200136999-C-T.
Other names: c.2137G>A, p.Val713Met (NM_001172517.1, NM_015265.4); short protein forms V713M.
Identifiers: ClinVar variation 1315184 (VCV001315184.2), dbSNP rs2105706567, ClinGen allele CA350385043.

ClinVar aggregate classification (germline): Uncertain significance (1 of 4 stars; one submission).

Submission:

GeneDx
Classification: Uncertain significance. Last evaluated: 2020-01-29. Review status: criteria provided, single submitter. Criteria: GeneDx Variant Classification Process June 2021. Collection method: clinical testing. Allele origin: germline. Affected: yes.
Comment: Not observed in large population cohorts (Lek et al., 2016); In silico analysis, which includes protein predictors and evolutionary conservation, supports that this variant does not alter protein structure/function; Has not been previously published as pathogenic or benign to our knowledge